The following is an entry in ClinVar:

NM_024685.4(BBS10):c.450T>G (p.Ser150Arg)

Gene: BBS10 (Bardet-Biedl syndrome 10; minus strand). Cytogenetic location: 12q21.2.
Variant type: single nucleotide variant.
Coding change: c.450T>G on transcript NM_024685.4 (MANE Select); coding-DNA position 450, T replaced by G.
Protein change: p.Ser150Arg; replaces serine 150 with arginine.
Molecular consequence: missense variant.
Genome position (GRCh38, 1-based): chr12:76,347,535, A>C on the plus strand (T>G on the coding strand, the complement: BBS10 is on the minus strand). VCF-style: chr12-76347535-A-C. GRCh37 (hg19) VCF-style: chr12-76741315-A-C.
Other names: short protein forms S150R.
Identifiers: ClinVar variation 1025197 (VCV001025197.9), dbSNP rs573346325, ClinGen allele CA385815162.

ClinVar aggregate classification (germline): Uncertain significance (1 of 4 stars; one submission).

Conditions:
Bardet-Biedl syndrome (BBS). Identifiers: Orphanet 110, MedGen C0752166, MONDO:0015229.

Submission:

Labcorp Genetics (formerly Invitae), Labcorp
Classification: Uncertain significance for Bardet-Biedl syndrome. Last evaluated: 2020-02-26. Review status: criteria provided, single submitter. Criteria: Invitae Variant Classification Sherloc (09022015). Collection method: clinical testing. Allele origin: germline.
Comment: Algorithms developed to predict the effect of missense changes on protein structure and function output the following: SIFT: "Deleterious"; PolyPhen-2: "Benign"; Align-GVGD: "Class C0". The arginine amino acid residue is found in multiple mammalian species, suggesting that this missense change does not adversely affect protein function. These predictions have not been confirmed by published functional studies and their clinical significance is uncertain. This sequence change replaces serine with arginine at codon 150 of the BBS10 protein (p.Ser150Arg). The serine residue is highly conserved and there is a moderate physicochemical difference between serine and arginine. This variant is not present in population databases (ExAC no frequency). This variant has not been reported in the literature in individuals with BBS10-related conditions. In summary, the available evidence is currently insufficient to determine the role of this variant in disease. Therefore, it has been classified as a Variant of Uncertain Significance.